The following is an entry in ClinVar:

ClinVar aggregate classification (germline): Likely benign. Review status: criteria provided, multiple submitters, no conflicts (2 of 4 stars). 2 submissions from 2 submitters: Likely benign (2). Last evaluated 2026-01-23.

Allele frequency attached by ClinVar (database versions not stated): ExAC 0.00007.
gnomAD v4.1: 22 of 1,613,690 alleles (0.0014%); highest among the groups gnomAD compares: Admixed American, 0.013%; no homozygotes.

Submissions (2):

Labcorp Genetics (formerly Invitae), Labcorp
Classification: Likely benign. Last evaluated: 2026-01-23. Review status: criteria provided, single submitter. Criteria: Invitae Variant Classification Sherloc (09022015). Collection method: clinical testing. Allele origin: germline.

CeGaT Center for Human Genetics Tuebingen
Classification: Likely benign. Last evaluated: 2023-01-01. Review status: criteria provided, single submitter. Criteria: CeGaT Center For Human Genetics Tuebingen Variant Classification Criteria Version 2. Collection method: clinical testing. Allele origin: germline. Affected: yes. Observed: 1 variant allele.
Comment: LCT: BP4, BP7

NM_002299.4(LCT):c.2100C>A (p.Ile700=)

Gene: LCT (lactase; minus strand). Cytogenetic location: 2q21.3.
Variant type: single nucleotide variant.
Coding change: c.2100C>A on transcript NM_002299.4 (MANE Select); coding-DNA position 2100, C replaced by A.
Protein change: p.Ile700=; no amino-acid change (isoleucine 700 retained).
Molecular consequence: synonymous variant.
Genome position (GRCh38, 1-based): chr2:135,812,564, G>T on the plus strand (C>A on the coding strand, the complement: LCT is on the minus strand). VCF-style: chr2-135812564-G-T. GRCh37 (hg19) VCF-style: chr2-136570134-G-T.
Identifiers: ClinVar variation 1911482 (VCV001911482.29), dbSNP rs201685980, ClinGen allele CA1888295.